The following is an entry in ClinVar:

NM_000038.6(APC):c.7095dup (p.Tyr2366fs)

Gene: APC (APC regulator of Wnt signaling pathway; plus strand). Cytogenetic location: 5q22.2.
Variant type: Duplication.
Coding change: c.7095dup on transcript NM_000038.6 (MANE Select); coding-DNA position 7095, one base duplicated (A; older notation c.7095dupA).
Protein change: p.Tyr2366fs; shifts the reading frame from tyrosine 2366.
Molecular consequence: frameshift variant. On other transcripts: non-coding transcript variant (2).
Genome position (GRCh38, 1-based): chr5:112,842,689, A duplicated. VCF-style (leftmost placement, unchanged base first): chr5-112842688-C-CA. GRCh37 (hg19) VCF-style: chr5-112178385-C-CA.
Other names: c.7095dup, p.Tyr2366fs (NM_001127510.3, NM_001354895.2, NM_001407450.1); c.7041dup, p.Tyr2348fs (NM_001127511.3); c.7149dup, p.Tyr2384fs (NM_001354896.2, NM_001407447.1, NM_001407448.1 and 1 more transcripts); c.7125dup, p.Tyr2376fs (NM_001354897.2); c.7020dup, p.Tyr2341fs (NM_001354898.2); c.7011dup, p.Tyr2338fs (NM_001354899.2); c.6972dup, p.Tyr2325fs (NM_001354900.2); c.6918dup, p.Tyr2307fs (NM_001354901.2, NM_001407453.1); and 11 more; short protein forms Y1982fs, Y2083fs, Y2206fs, Y2237fs, Y2240fs, Y2265fs, Y2275fs, Y2283fs.
Identifiers: ClinVar variation 4886900 (VCV004886900.1).
Genomic context (GRCh38, chr5:112,842,688, plus strand): 5'-TTCCAAGGACATCATCCCCTAGTACTGCTTCAACTAAGTCCTCAGGTTCTGGAAAAATGT[C>CA]ATATACATCTCCAGGTAGACAGATGAGCCAACAGAACCTTACCAAACAAACAGGTTTATC-3'

ClinVar aggregate classification (germline): Likely pathogenic (1 of 4 stars; one submission).

Conditions:
Familial adenomatous polyposis 1 (FAP1). Also called: FAMILIAL ADENOMATOUS POLYPOSIS 1, ATTENUATED; POLYPOSIS, ADENOMATOUS INTESTINAL. Identifiers: MedGen C2713442, MONDO:0021056, OMIM 175100. Disease mechanism: loss of function.

Submission:

Kasturba Medical College, Manipal, Kasturba Medical College, Manipal, Manipal Academy of Higher Education, Manipal, India
Classification: Likely pathogenic for Familial adenomatous polyposis 1. Last evaluated: 2026-08-05. Review status: criteria provided, single submitter. Criteria: ACMG Guidelines, 2015. Collection method: research. Allele origin: unknown. Inheritance: Autosomal dominant inheritance. Affected: yes. Observed: 1 variant allele, 1 heterozygote.
Comment: This variant is absent in gnomAD (v4.1.0) population database and in our in-house database of 4303 exomes. This variant is likely to cause shift in the reading frame of the transcript which likely introduces a premature termination codon. This may result in the formation of truncated protein or the transcript to undergo nonsense mediated mRNA decay.